The following is an entry in ClinVar:

ClinVar aggregate classification (germline): Benign/Likely benign. Review status: criteria provided, multiple submitters, no conflicts (2 of 4 stars). 7 submissions from 7 submitters: Benign (4); Likely benign (1). 2 of the submissions do not count toward it. Last evaluated 2024-11-26.

Conditions:
AFG3L2-related disorder. Also called: AFG3L2-related condition.
Spinocerebellar ataxia type 28 (SCA28). Also called: Spinocerebellar Ataxia Type 28 (SCA28). Identifiers: Orphanet 101109, MedGen C1853249, MONDO:0012450, OMIM 610246.

Allele frequency attached by ClinVar (database versions not stated): 1000 Genomes Project 0.01657; ESP Exome Variant Server 0.02214; gnomAD exomes 0.00177 and 0.00477; gnomAD 0.01760 and 0.01903; ExAC 0.00606; 1000 Genomes Project 30x 0.01608; TOPMed 0.02009.
gnomAD v4.1: 5,410 of 1,613,702 alleles (0.34%); highest among the groups gnomAD compares: African/African-American, 6%; 143 homozygotes.

Submissions (7):

Blueprint Genetics
Classification: Likely benign. Last evaluated: 2024-11-26. Review status: criteria provided, single submitter. Criteria: ACMG Guidelines, 2015. Collection method: clinical testing. Allele origin: germline.

Athena Diagnostics
Classification: Benign. Last evaluated: 2024-02-01. Review status: criteria provided, single submitter. Criteria: Athena Diagnostics Criteria. Collection method: clinical testing. Allele origin: unknown.

Illumina Laboratory Services, Illumina
Classification: Benign for Spinocerebellar ataxia type 28. Last evaluated: 2018-01-13. Review status: criteria provided, single submitter. Criteria: ICSL Variant Classification Criteria 13 December 2019. Collection method: clinical testing. Allele origin: germline.
Comment: This variant was observed in the ICSL laboratory as part of a predisposition screen in an ostensibly healthy population. It had not been previously curated by ICSL or reported in the Human Gene Mutation Database (HGMD: prior to June 1st, 2018), and was therefore a candidate for classification through an automated scoring system. Utilizing variant allele frequency, disease prevalence and penetrance estimates, and inheritance mode, an automated score was calculated to assess if this variant is too frequent to cause the disease. Based on the score and internal cut-off values, a variant classified as benign is not then subjected to further curation. The score for this variant resulted in a classification of benign for this disease.

GeneDx
Classification: Benign. Last evaluated: 2014-02-04. Review status: criteria provided, single submitter. Criteria: GeneDx Variant Classification (06012015). Collection method: clinical testing. Allele origin: germline. Affected: yes.
Comment: This variant is considered likely benign or benign based on one or more of the following criteria: it is a conservative change, it occurs at a poorly conserved position in the protein, it is predicted to be benign by multiple in silico algorithms, and/or has population frequency not consistent with disease.

Breakthrough Genomics
Classification: Benign. Review status: criteria provided, single submitter. Criteria: ACMG Guidelines, 2015. Collection method: not provided. Allele origin: germline. Inheritance: Autosomal recessive inheritance. Affected: yes.

PreventionGenetics, part of Exact Sciences
Classification: Benign for AFG3L2-related condition. Last evaluated: 2019-08-02. Review status: no assertion criteria provided. Collection method: clinical testing. Allele origin: germline. Not counted in ClinVar's aggregate classification.
Comment: This variant is classified as benign based on ACMG/AMP sequence variant interpretation guidelines (Richards et al. 2015 PMID: 25741868, with internal and published modifications).

Mayo Clinic Laboratories, Mayo Clinic
Classification: Benign. Last evaluated: 2016-03-15. Review status: no assertion criteria provided. Collection method: clinical testing. Allele origin: unknown. Not counted in ClinVar's aggregate classification.

NM_006796.3(AFG3L2):c.*2G>A

Genes: AFG3L2 (AFG3 like matrix AAA peptidase subunit 2; minus strand), TUBB6 (tubulin beta 6 class V; plus strand). Cytogenetic location: 18p11.21.
Variant type: single nucleotide variant.
Coding change: c.*2G>A on transcript NM_006796.3 (MANE Select); 2 bases downstream of the stop codon, G replaced by A.
Molecular consequence: 3 prime UTR variant.
Genome position (GRCh38, 1-based): chr18:12,329,563, C>T on the plus strand (G>A on the coding strand, the complement: AFG3L2 is on the minus strand). VCF-style: chr18-12329563-C-T. GRCh37 (hg19) VCF-style: chr18-12329562-C-T.
Other names: c.*380C>T (NM_001303525.2).
Identifiers: ClinVar variation 136316 (VCV000136316.17), dbSNP rs113981080, ClinGen allele CA289324.